The following is an entry in ClinVar:

ClinVar aggregate classification (germline): Pathogenic. Review status: criteria provided, multiple submitters, no conflicts (2 of 4 stars). 2 submissions from 2 submitters: Pathogenic (2). Last evaluated 2024-06-17.

Conditions:
Polycystic kidney disease 2 (PKD2). Also called: Polycystic Kidney Disease 2, Autosomal Dominant; POLYCYSTIC KIDNEY DISEASE 2 WITH OR WITHOUT POLYCYSTIC LIVER DISEASE; POLYCYSTIC KIDNEY DISEASE, ADULT, TYPE II. Identifiers: MedGen C2751306, MONDO:0013131, OMIM 613095.

Submissions (2):

Fulgent Genetics
Classification: Pathogenic for Polycystic kidney disease 2. Last evaluated: 2024-06-17. Review status: criteria provided, single submitter. Criteria: ACMG Guidelines, 2015. Collection method: clinical testing. Allele origin: germline.

MVZ Medizinische Genetik Mainz
Classification: Pathogenic for Polycystic kidney disease 2. Last evaluated: 2022-02-17. Review status: criteria provided, single submitter. Criteria: UK Practice Guidelines For Variant Classification V4 01 2020. Collection method: clinical testing. Allele origin: germline. Inheritance: Autosomal dominant inheritance. Affected: yes. Observed: 1 variant allele.
Comment: ACMG Criteria: PVS1, PM2_SUP, PP4 (ACMG Version 3)

NM_000297.4(PKD2):c.695_696del (p.Ile232fs)

Gene: PKD2 (polycystin 2, transient receptor potential cation channel; plus strand). Cytogenetic location: 4q22.1.
Variant type: Deletion.
Coding change: c.695_696del on transcript NM_000297.4 (MANE Select); coding-DNA positions 695 to 696, 2 bases deleted (TA; older notation c.695_696delTA).
Protein change: p.Ile232fs; shifts the reading frame from isoleucine 232.
Molecular consequence: frameshift variant. On other transcripts: non-coding transcript variant (1).
Genome position (GRCh38, 1-based): chr4:88,019,557-88,019,558, TA deleted; deleting any 2 consecutive bases within chr4:88,019,556-88,019,558 gives the same sequence; the c. name uses the placement nearest the transcript's 3' end. VCF-style (leftmost placement, unchanged base first): chr4-88019555-CAT-C. GRCh37 (hg19) VCF-style: chr4-88940707-CAT-C.
Other names: short protein forms I232fs.
Identifiers: ClinVar variation 3234085 (VCV003234085.2), dbSNP rs2475869464, ClinGen allele CA2825001311.